The following is an entry in ClinVar:

ClinVar aggregate classification (germline): Conflicting classifications of pathogenicity. Review status: criteria provided, conflicting classifications (1 of 4 stars). 2 submissions from 2 submitters: Uncertain significance (1); Likely benign (1). Last evaluated 2024-08-04.

Conditions:
Inborn genetic diseases. Identifiers: MedGen C0950123, MeSH D030342.

Allele frequency attached by ClinVar (database versions not stated): TOPMed below 0.00001; gnomAD exomes 0.00001; ExAC 0.00002.
gnomAD v4.1: 19 of 1,577,516 alleles (0.0012%); highest among the groups gnomAD compares: Non-Finnish European, 0.0016%; no homozygotes.

Submissions (2):

Ambry Genetics
Classification: Uncertain significance for Inborn genetic diseases. Last evaluated: 2024-08-04. Review status: criteria provided, single submitter. Criteria: Ambry Variant Classification Scheme 2023. Collection method: clinical testing. Allele origin: germline.

CeGaT Center for Human Genetics Tuebingen
Classification: Likely benign. Last evaluated: 2023-12-01. Review status: criteria provided, single submitter. Criteria: CeGaT Center For Human Genetics Tuebingen Variant Classification Criteria Version 2. Collection method: clinical testing. Allele origin: germline. Affected: yes. Observed: 2 variant alleles.
Comment: SUZ12: BP4

NM_015355.4(SUZ12):c.1223C>G (p.Thr408Arg)

Gene: SUZ12 (SUZ12 polycomb repressive complex 2 subunit; plus strand). Cytogenetic location: 17q11.2.
Variant type: single nucleotide variant.
Coding change: c.1223C>G on transcript NM_015355.4 (MANE Select); coding-DNA position 1223, C replaced by G.
Protein change: p.Thr408Arg; replaces threonine 408 with arginine.
Molecular consequence: missense variant.
Genome position (GRCh38, 1-based): chr17:31,993,263, C>G. VCF-style: chr17-31993263-C-G. GRCh37 (hg19) VCF-style: chr17-30320282-C-G.
Other names: c.1154C>G, p.Thr385Arg (NM_001321207.2); short protein forms T408R, T385R.
Identifiers: ClinVar variation 2265676 (VCV002265676.27), dbSNP rs748955039, ClinGen allele CA8489717.
Genomic context (GRCh38, chr17:31,993,263, plus strand): 5'-AGCAATGTTTTTATTGAATATAAAAGTGTATGTTTTCAGCTGTTAAAGAATCATTGACTA[C>G]AGATCTACAAACAAGAAAAGAAAAGGATACTCCAAATGAAAACCGACAAAAATTAAGAAT-3'
Protein context (NP_056170.2, residues 398-418): QTIAVKESLT[Thr408Arg]DLQTRKEKDT